The following is an entry in ClinVar:

NM_144666.3(DNHD1):c.5826G>A (p.Val1942=)

Gene: DNHD1 (dynein heavy chain domain 1; plus strand). Cytogenetic location: 11p15.4.
Variant type: single nucleotide variant.
Coding change: c.5826G>A on transcript NM_144666.3 (MANE Select); coding-DNA position 5826, G replaced by A.
Protein change: p.Val1942=; no amino-acid change (valine 1942 retained).
Molecular consequence: synonymous variant.
Genome position (GRCh38, 1-based): chr11:6,546,765, G>A. VCF-style: chr11-6546765-G-A. GRCh37 (hg19) VCF-style: chr11-6567995-G-A.
Identifiers: ClinVar variation 2641550 (VCV002641550.24), dbSNP rs2494037982, ClinGen allele CA472915732.

ClinVar aggregate classification (germline): Likely benign (1 of 4 stars; one submission).

Submission:

CeGaT Center for Human Genetics Tuebingen
Classification: Likely benign. Last evaluated: 2022-06-01. Review status: criteria provided, single submitter. Criteria: CeGaT Center For Human Genetics Tuebingen Variant Classification Criteria Version 2. Collection method: clinical testing. Allele origin: germline. Affected: yes. Observed: 1 variant allele.
Comment: DNHD1: PM2:Supporting, BP4, BP7